The following is an entry in ClinVar:

ClinVar aggregate classification (germline): Uncertain significance (1 of 4 stars; one submission).

Submission:

GeneDx
Classification: Uncertain significance. Last evaluated: 2025-06-25. Review status: criteria provided, single submitter. Criteria: GeneDx Variant Classification Process June 2021. Collection method: clinical testing. Allele origin: germline. Affected: yes.
Comment: Not observed at significant frequency in large population cohorts (gnomAD); In silico analysis supports that this missense variant has a deleterious effect on protein structure/function; Has not been previously published as pathogenic or benign to our knowledge

NM_006005.3(WFS1):c.2489A>G (p.Glu830Gly)

Gene: WFS1 (wolframin ER transmembrane glycoprotein; plus strand). Cytogenetic location: 4p16.1.
Variant type: single nucleotide variant.
Coding change: c.2489A>G on transcript NM_006005.3 (MANE Select); coding-DNA position 2489, A replaced by G.
Protein change: p.Glu830Gly; replaces glutamic acid 830 with glycine.
Molecular consequence: missense variant.
Genome position (GRCh38, 1-based): chr4:6,302,284, A>G. VCF-style: chr4-6302284-A-G. GRCh37 (hg19) VCF-style: chr4-6304011-A-G.
Other names: c.2489A>G, p.Glu830Gly (NM_001145853.1); short protein forms E830G.
Identifiers: ClinVar variation 4540237 (VCV004540237.1).